The following is an entry in ClinVar:

ClinVar aggregate classification (germline): Likely benign (1 of 4 stars; one submission).

gnomAD v4.1: 4 of 1,611,506 alleles (0.00025%); highest among the groups gnomAD compares: Admixed American, 0.0067%; no homozygotes.

Submission:

CeGaT Center for Human Genetics Tuebingen
Classification: Likely benign. Last evaluated: 2025-12-01. Review status: criteria provided, single submitter. Criteria: CeGaT Center For Human Genetics Tuebingen Variant Classification Criteria Version 2. Collection method: clinical testing. Allele origin: germline. Affected: yes. Observed: 1 variant allele.
Comment: BRF1: BP4, BP7

NM_001519.4(BRF1):c.1254A>G (p.Ala418=)

Gene: BRF1 (BRF1 general transcription factor IIIB subunit; minus strand). Cytogenetic location: 14q32.33.
Variant type: single nucleotide variant.
Coding change: c.1254A>G on transcript NM_001519.4 (MANE Select); coding-DNA position 1254, A replaced by G.
Protein change: p.Ala418=; no amino-acid change (alanine 418 retained).
Molecular consequence: synonymous variant.
Genome position (GRCh38, 1-based): chr14:105,221,709, T>C on the plus strand (A>G on the coding strand, the complement: BRF1 is on the minus strand). VCF-style: chr14-105221709-T-C. GRCh37 (hg19) VCF-style: chr14-105688046-T-C.
Other names: c.759A>G, p.Ala253= (NM_001440451.1); c.741A>G, p.Ala247= (NM_001440452.1, NM_001440453.1); c.591A>G, p.Ala197= (NM_001440454.1); c.642A>G, p.Ala214= (NM_145685.3); c.909A>G, p.Ala303= (NM_001242786.2, NM_001242787.2); c.1173A>G, p.Ala391= (NM_001242788.2); c.540A>G, p.Ala180= (NM_001242789.2); c.1254A>G, p.Ala418= (NM_001440449.1); and 1 more.
Identifiers: ClinVar variation 4681990 (VCV004681990.5).